The following is an entry in ClinVar:

NM_004727.3(SLC24A1):c.2643GGA[7] (p.Glu890dup)

Gene: SLC24A1 (solute carrier family 24 member 1; plus strand). Cytogenetic location: 15q22.31.
Variant type: Microsatellite.
Coding change: c.2643GGA[7] on transcript NM_004727.3 (MANE Select); seven copies in a row of the 3-base unit GGA starting at c.2643; the reference has six copies in a row; one copy, 3 bases duplicated.
Protein change: p.Glu890dup; duplicates glutamic acid 890.
Molecular consequence: inframe insertion.
Genome position (GRCh38, 1-based): chr15:65,650,807-65,650,809, GGA duplicated; duplicating any 3 consecutive bases within chr15:65,650,790-65,650,809 gives the same sequence; the position shown is the placement nearest the transcript's 3' end. VCF-style (leftmost placement, unchanged base first): chr15-65650789-A-AGAG. GRCh37 (hg19) VCF-style: chr15-65943127-A-AGAG.
Other names: c.624GGA[7], p.Glu217dup (NM_001254740.2); c.2643GGA[7], p.Glu890dup (NM_001301031.1); c.2589GGA[7], p.Glu872dup (NM_001301032.1, NM_001301033.2); c.2658_2660dupGGA (NM_004727.2).
Identifiers: ClinVar variation 596678 (VCV000596678.12), dbSNP rs763504735, ClinGen allele CA7620175.

ClinVar aggregate classification (germline): Conflicting classifications of pathogenicity. Review status: criteria provided, conflicting classifications (1 of 4 stars). 4 submissions from 4 submitters: Uncertain significance (2); Likely benign (2). Last evaluated 2025-09-08.

Conditions:
SLC24A1-related disorder. Also called: SLC24A1-related condition.

Submissions (4):

Labcorp Genetics (formerly Invitae), Labcorp
Classification: Uncertain significance. Last evaluated: 2025-09-08. Review status: criteria provided, single submitter. Criteria: Invitae Variant Classification Sherloc (09022015). Collection method: clinical testing. Allele origin: germline.
Comment: This variant, c.2658_2660dup, results in the insertion of 1 amino acid(s) of the SLC24A1 protein (p.Glu890dup), but otherwise preserves the integrity of the reading frame. The frequency data for this variant in the population databases is considered unreliable, as metrics indicate poor data quality at this position in the gnomAD database. This variant has been observed in individual(s) with clinical features of SLC24A1-related conditions (PMID: 12037007). This variant is also known as Glu887insGlu. Experimental studies and prediction algorithms are not available or were not evaluated, and the functional significance of this variant is currently unknown. In summary, the available evidence is currently insufficient to determine the role of this variant in disease. Therefore, it has been classified as a Variant of Uncertain Significance.

PreventionGenetics, part of Exact Sciences
Classification: Likely benign for SLC24A1-related condition. Last evaluated: 2025-01-27. Review status: criteria provided, single submitter. Criteria: ACMG Guidelines, 2015. Collection method: clinical testing. Allele origin: germline.
Comment: This variant is classified as likely benign based on ACMG/AMP sequence variant interpretation guidelines (Richards et al. 2015 PMID: 25741868, with internal and published modifications).

Blueprint Genetics
Classification: Likely benign. Last evaluated: 2023-11-06. Review status: criteria provided, single submitter. Criteria: ACMG Guidelines, 2015. Collection method: clinical testing. Allele origin: germline.

Eurofins Ntd Llc (ga)
Classification: Uncertain significance. Last evaluated: 2018-04-10. Review status: criteria provided, single submitter. Criteria: EGL ClinVar v180209 classification definitions. Collection method: clinical testing. Allele origin: germline. Observed: 1 variant allele, 1 heterozygote.

Literature cited by the submitters: PubMed 12037007 (cited by Labcorp Genetics (formerly Invitae), Labcorp).